The following is an entry in ClinVar:

ClinVar aggregate classification (germline): Uncertain significance (1 of 4 stars; one submission).

Conditions:
Gnathodiaphyseal dysplasia (GDD). Also called: GNATHODIAPHYSEAL SCLEROSIS; OSTEOGENESIS IMPERFECTA WITH UNUSUAL SKELETAL LESIONS. Identifiers: Orphanet 53697, MedGen C1833736, MONDO:0008151, OMIM 166260.
Autosomal recessive limb-girdle muscular dystrophy type 2L (LGMDR12). Also called: Limb-girdle muscular dystrophy, type 2L; Limb-Girdle Muscular Dystrophy R12 Anoctamin-5-Related (LGMD-R12); MUSCULAR DYSTROPHY, LIMB-GIRDLE, AUTOSOMAL RECESSIVE 12. Identifiers: Orphanet 206549, MedGen C1969785, MONDO:0012652, OMIM 611307.

Submission:

Labcorp Genetics (formerly Invitae), Labcorp
Classification: Uncertain significance for Autosomal recessive limb-girdle muscular dystrophy type 2L; Gnathodiaphyseal dysplasia. Last evaluated: 2021-12-30. Review status: criteria provided, single submitter. Criteria: Invitae Variant Classification Sherloc (09022015). Collection method: clinical testing. Allele origin: germline.
Comment: Advanced modeling of protein sequence and biophysical properties (such as structural, functional, and spatial information, amino acid conservation, physicochemical variation, residue mobility, and thermodynamic stability) performed at Invitae indicates that this missense variant is expected to disrupt ANO5 protein function. In summary, the available evidence is currently insufficient to determine the role of this variant in disease. Therefore, it has been classified as a Variant of Uncertain Significance. This variant has not been reported in the literature in individuals affected with ANO5-related conditions. This variant is not present in population databases (gnomAD no frequency). This sequence change replaces alanine, which is neutral and non-polar, with proline, which is neutral and non-polar, at codon 278 of the ANO5 protein (p.Ala278Pro).

NM_213599.3(ANO5):c.832G>C (p.Ala278Pro)

Gene: ANO5 (anoctamin 5; plus strand). Cytogenetic location: 11p14.3.
Variant type: single nucleotide variant.
Coding change: c.832G>C on transcript NM_213599.3 (MANE Select); coding-DNA position 832, G replaced by C.
Protein change: p.Ala278Pro; replaces alanine 278 with proline.
Molecular consequence: missense variant.
Genome position (GRCh38, 1-based): chr11:22,239,638, G>C. VCF-style: chr11-22239638-G-C. GRCh37 (hg19) VCF-style: chr11-22261184-G-C.
Other names: c.829G>C, p.Ala277Pro (NM_001142649.2); c.790G>C, p.Ala264Pro (NM_001410963.1); c.787G>C, p.Ala263Pro (NM_001410964.1); short protein forms A263P, A278P, A264P, A277P.
Identifiers: ClinVar variation 2195790 (VCV002195790.4), dbSNP rs2494206668, ClinGen allele CA379920516.